The following is an entry in ClinVar:

ClinVar aggregate classification (germline): Conflicting classifications of pathogenicity. Review status: criteria provided, conflicting classifications (1 of 4 stars). 2 submissions from 2 submitters: Likely pathogenic (1); Uncertain significance (1). Last evaluated 2023-07-21.

Conditions:
Muscular dystrophy, limb-girdle, autosomal recessive 23. Identifiers: Orphanet 565837, MedGen C4748327, MONDO:0029136, OMIM 618138.

Allele frequency attached by ClinVar (database versions not stated): gnomAD exomes below 0.00001; gnomAD 0.00001.
gnomAD v4.1: 2 of 1,613,356 alleles (0.00012%); highest among the groups gnomAD compares: African/African-American, 0.0013%; no homozygotes.

Submissions (2):

Women's Health and Genetics/Laboratory Corporation of America, LabCorp
Classification: Uncertain significance. Last evaluated: 2023-07-21. Review status: criteria provided, single submitter. Criteria: LabCorp Variant Classification Summary - May 2015. Collection method: clinical testing. Allele origin: germline.
Comment: Variant summary: LAMA2 c.4342T>C (p.Cys1448Arg) results in a non-conservative amino acid change located in the Laminin-type EGF domain (IPR002049) of the encoded protein sequence. Five of five in-silico tools predict a damaging effect of the variant on protein function. The variant allele was found at a frequency of 4e-06 in 251060 control chromosomes. The available data on variant occurrences in the general population are insufficient to allow any conclusion about variant significance. c.4342T>C has been reported in the literature in an individual affected with Limb-girdle muscular weakness (Krenn_2022). These data do not allow any conclusion about variant significance. To our knowledge, no experimental evidence demonstrating an impact on protein function has been reported. The following publication have been ascertained in the context of this evaluation (PMID: 35239206). One submitter has cited clinical-significance assessments for this variant to ClinVar after 2014 and has classified the variant as likely pathogenic. Based on the evidence outlined above, the variant was classified as uncertain significance.

Institute of Human Genetics Munich, TUM University Hospital
Classification: Likely pathogenic for Muscular dystrophy, limb-girdle, autosomal recessive 23. Last evaluated: 2021-07-30. Review status: criteria provided, single submitter. Criteria: Classification criteria August 2017. Collection method: clinical testing. Allele origin: maternal. Inheritance: Autosomal recessive inheritance. Affected: yes. Observed: 1 variant allele.

Literature cited by the submitters: PubMed 35239206 (cited by Women's Health and Genetics/Laboratory Corporation of America, LabCorp).

NM_000426.4(LAMA2):c.4342T>C (p.Cys1448Arg)

Gene: LAMA2 (laminin subunit alpha 2; plus strand). Cytogenetic location: 6q22.33.
Variant type: single nucleotide variant.
Coding change: c.4342T>C on transcript NM_000426.4 (MANE Select); coding-DNA position 4342, T replaced by C.
Protein change: p.Cys1448Arg; replaces cysteine 1448 with arginine.
Molecular consequence: missense variant.
Genome position (GRCh38, 1-based): chr6:129,342,373, T>C. VCF-style: chr6-129342373-T-C. GRCh37 (hg19) VCF-style: chr6-129663518-T-C.
Other names: c.4342T>C, p.Cys1448Arg (NM_001079823.2); short protein forms C1448R.
Identifiers: ClinVar variation 1804001 (VCV001804001.2), dbSNP rs1334243603, ClinGen allele CA365615196.